The following is an entry in ClinVar:

ClinVar aggregate classification (germline): Benign/Likely benign. Review status: criteria provided, multiple submitters, no conflicts (2 of 4 stars). 7 submissions from 7 submitters: Benign (1); Likely benign (6). Last evaluated 2026-02-01.

Conditions:
Familial thoracic aortic aneurysm and aortic dissection (TAAD). Also called: Thoracic aortic aneurysms and dissections. Identifiers: Orphanet 91387, MedGen C4707243, MONDO:0019625.
Aortic aneurysm, familial thoracic 7 (AAT7). Also called: AORTIC DISSECTION, FAMILIAL, WITH OR WITHOUT AORTIC ANEURYSM. Identifiers: MedGen C3151077, MONDO:0013418, OMIM 613780.

Allele frequency attached by ClinVar (database versions not stated): gnomAD 0.00002 and 0.00027; TOPMed 0.00006; gnomAD exomes 0.00048 and 0.00091; 1000 Genomes Project 30x 0.00109; ExAC 0.00110; 1000 Genomes Project 0.00140.
gnomAD v4.1: 745 of 1,613,944 alleles (0.046%); highest among the groups gnomAD compares: South Asian, 0.75%; 4 homozygotes.

Submissions (7):

CeGaT Center for Human Genetics Tuebingen
Classification: Likely benign. Last evaluated: 2026-02-01. Review status: criteria provided, single submitter. Criteria: CeGaT Center For Human Genetics Tuebingen Variant Classification Criteria Version 2. Collection method: clinical testing. Allele origin: germline. Affected: yes. Observed: 1 variant allele.
Comment: MYLK: BP4, BP7

Labcorp Genetics (formerly Invitae), Labcorp
Classification: Benign for Aortic aneurysm, familial thoracic 7. Last evaluated: 2025-12-13. Review status: criteria provided, single submitter. Criteria: Invitae Variant Classification Sherloc (09022015). Collection method: clinical testing. Allele origin: germline.

GeneDx
Classification: Likely benign. Last evaluated: 2020-07-14. Review status: criteria provided, single submitter. Criteria: GeneDx Variant Classification Process June 2021. Collection method: clinical testing. Allele origin: germline. Affected: yes.

Illumina Laboratory Services, Illumina
Classification: Likely benign for Aortic aneurysm, familial thoracic 7. Last evaluated: 2018-01-13. Review status: criteria provided, single submitter. Criteria: ICSL Variant Classification Criteria 13 December 2019. Collection method: clinical testing. Allele origin: germline.
Comment: This variant was observed in the ICSL laboratory as part of a predisposition screen in an ostensibly healthy population. It had not been previously curated by ICSL or reported in the Human Gene Mutation Database (HGMD: prior to June 1st, 2018), and was therefore a candidate for classification through an automated scoring system. Utilizing variant allele frequency, disease prevalence and penetrance estimates, and inheritance mode, an automated score was calculated to assess if this variant is too frequent to cause the disease. Based on the score and internal cut-off values, a variant classified as likely benign is not then subjected to further curation. The score for this variant resulted in a classification of likely benign for this disease.

Ambry Genetics
Classification: Likely benign for Familial thoracic aortic aneurysm and aortic dissection. Last evaluated: 2016-09-14. Review status: criteria provided, single submitter. Criteria: Ambry Variant Classification Scheme 2023. Collection method: clinical testing. Allele origin: germline.

Eurofins Ntd Llc (ga)
Classification: Likely benign. Last evaluated: 2016-06-24. Review status: criteria provided, single submitter. Criteria: EGL Classification Definitions 2015. Collection method: clinical testing. Allele origin: germline. Observed: 1 variant allele, 1 heterozygote.

PreventionGenetics, part of Exact Sciences
Classification: Likely benign. Review status: criteria provided, single submitter. Criteria: ACMG Guidelines, 2015. Collection method: clinical testing. Allele origin: germline.

NM_053025.4(MYLK):c.2628C>T (p.Arg876=)

Gene: MYLK (myosin light chain kinase; minus strand). Cytogenetic location: 3q21.1.
Variant type: single nucleotide variant.
Coding change: c.2628C>T on transcript NM_053025.4 (MANE Select); coding-DNA position 2628, C replaced by T.
Protein change: p.Arg876=; no amino-acid change (arginine 876 retained).
Molecular consequence: synonymous variant.
Genome position (GRCh38, 1-based): chr3:123,700,840, G>A on the plus strand (C>T on the coding strand, the complement: MYLK is on the minus strand). VCF-style: chr3-123700840-G-A. GRCh37 (hg19) VCF-style: chr3-123419687-G-A.
Other names: c.2100C>T, p.Arg700= (NM_001321309.2); c.2421C>T, p.Arg807= (NM_053026.4, NM_053028.4); c.2628C>T, p.Arg876= (NM_053027.4).
Identifiers: ClinVar variation 262278 (VCV000262278.28), dbSNP rs571744275, ClinGen allele CA068801.